The following is an entry in ClinVar:

NM_022437.3(ABCG8):c.578C>T (p.Ala193Val)

Gene: ABCG8 (ATP binding cassette subfamily G member 8; plus strand). Cytogenetic location: 2p21.
Variant type: single nucleotide variant.
Coding change: c.578C>T on transcript NM_022437.3 (MANE Select); coding-DNA position 578, C replaced by T.
Protein change: p.Ala193Val; replaces alanine 193 with valine.
Molecular consequence: missense variant.
Genome position (GRCh38, 1-based): chr2:43,852,370, C>T. VCF-style: chr2-43852370-C-T. GRCh37 (hg19) VCF-style: chr2-44079509-C-T.
Other names: p.Ala193Val; c.578C>T, p.Ala193Val (NM_001357321.2); short protein forms A193V.
Identifiers: ClinVar variation 596946 (VCV000596946.32), dbSNP rs376362072, ClinGen allele CA1637078.

ClinVar aggregate classification (germline): Conflicting classifications of pathogenicity. Review status: criteria provided, conflicting classifications (1 of 4 stars). 9 submissions from 9 submitters: Uncertain significance (8); Likely benign (1). Last evaluated 2026-02-11.

Conditions:
Sitosterolemia 1. Identifiers: MedGen C2749759, MONDO:0020747, OMIM 210250.
ABCG8-related disorder. Also called: ABCG8-related condition.
Cardiovascular phenotype. Identifiers: MedGen CN230736.

Allele frequency attached by ClinVar (database versions not stated): ESP Exome Variant Server 0.00008; gnomAD 0.00012 and 0.00013; TOPMed 0.00015; gnomAD exomes 0.00016 and 0.00018; ExAC 0.00017.
gnomAD v4.1: 275 of 1,612,248 alleles (0.017%); highest among the groups gnomAD compares: South Asian, 0.085%; 1 homozygote.

Submissions (9):

PreventionGenetics, part of Exact Sciences
Classification: Uncertain significance for ABCG8-related condition. Last evaluated: 2026-02-11. Review status: criteria provided, single submitter. Criteria: ACMG Guidelines, 2015. Collection method: clinical testing. Allele origin: germline.
Comment: The ABCG8 c.578C>T variant is predicted to result in the amino acid substitution p.Ala193Val. This variant was documented in an individual from the UK Biobank that was noted as having cholelithiasis gall stones, but no additional clinical or functional information was provided to further assess this variant (Supplementary Data 2 in Backman. 2021. PubMed ID: 34662886). This variant is reported in 0.095% of alleles in individuals of South Asian descent in gnomAD, including a homozygous individual. Although we suspect that this variant may be benign, at this time, the clinical significance of this variant is uncertain due to the absence of conclusive functional and genetic evidence.

Labcorp Genetics (formerly Invitae), Labcorp
Classification: Likely benign. Last evaluated: 2026-01-27. Review status: criteria provided, single submitter. Criteria: Invitae Variant Classification Sherloc (09022015). Collection method: clinical testing. Allele origin: germline.

Ambry Genetics
Classification: Uncertain significance for Cardiovascular phenotype. Last evaluated: 2026-01-05. Review status: criteria provided, single submitter. Criteria: Ambry Variant Classification Scheme 2023. Collection method: clinical testing. Allele origin: germline.
Comment: The p.A193V variant (also known as c.578C>T), located in coding exon 5 of the ABCG8 gene, results from a C to T substitution at nucleotide position 578. The alanine at codon 193 is replaced by valine, an amino acid with similar properties. This amino acid position is highly conserved in available vertebrate species. In addition, this alteration is predicted to be tolerated by in silico analysis. Based on the available evidence, the clinical significance of this variant remains unclear.

Mayo Clinic Laboratories, Mayo Clinic
Classification: Uncertain significance. Last evaluated: 2025-09-15. Review status: criteria provided, single submitter. Criteria: ACMG Guidelines, 2015. Collection method: clinical testing. Allele origin: germline. Observed: 1 variant allele.
Comment: BP4, PM2_supporting

Blueprint Genetics
Classification: Uncertain significance. Last evaluated: 2024-11-01. Review status: criteria provided, single submitter. Criteria: ACMG Guidelines, 2015. Collection method: clinical testing. Allele origin: germline.

Women's Health and Genetics/Laboratory Corporation of America, LabCorp
Classification: Uncertain significance. Last evaluated: 2024-08-08. Review status: criteria provided, single submitter. Criteria: LabCorp Variant Classification Summary - May 2015. Collection method: clinical testing. Allele origin: germline.
Comment: Variant summary: ABCG8 c.578C>T (p.Ala193Val) results in a non-conservative amino acid change located in the ABC transporter-like, ATP-binding domain (IPR003439) of the encoded protein sequence. Four of five in-silico tools predict a damaging effect of the variant on protein function. The variant allele was found at a frequency of 0.00016 in 250742 control chromosomes in the gnomAD database (v4), including 1 homozygotes. This frequency is not significantly higher than estimated for a pathogenic variant in ABCG8 causing Early Onset Coronary Artery Disease (0.00016 vs 0.005), allowing no conclusion about variant significance. To our knowledge, no occurrence of c.578C>T in individuals affected with Early Onset Coronary Artery Disease and no experimental evidence demonstrating its impact on protein function have been reported. ClinVar contains an entry for this variant (Variation ID: 596946). Based on the evidence outlined above, the variant was classified as uncertain significance.

CeGaT Center for Human Genetics Tuebingen
Classification: Uncertain significance. Last evaluated: 2024-08-01. Review status: criteria provided, single submitter. Criteria: CeGaT Center For Human Genetics Tuebingen Variant Classification Criteria Version 2. Collection method: clinical testing. Allele origin: germline. Affected: yes. Observed: 1 variant allele.
Comment: ABCG8: PM2

Eurofins Ntd Llc (ga)
Classification: Uncertain significance. Last evaluated: 2018-04-24. Review status: criteria provided, single submitter. Criteria: EGL ClinVar v180209 classification definitions. Collection method: clinical testing. Allele origin: germline. Observed: 2 variant alleles, 2 heterozygotes.

Illumina Laboratory Services, Illumina
Classification: Uncertain significance for Sitosterolemia 1. Last evaluated: 2018-01-13. Review status: criteria provided, single submitter. Criteria: ICSL Variant Classification Criteria 13 December 2019. Collection method: clinical testing. Allele origin: germline.

Literature cited by the submitters: PubMed 34662886 (cited by Mayo Clinic Laboratories, Mayo Clinic).